The following is an entry in ClinVar:

ClinVar aggregate classification (germline): Uncertain significance (1 of 4 stars; one submission).

gnomAD v4.1: 11 of 1,538,520 alleles (0.00071%); highest among the groups gnomAD compares: Non-Finnish European, 0.00087%; no homozygotes.

Submission:

Women's Health and Genetics/Laboratory Corporation of America, LabCorp
Classification: Uncertain significance. Last evaluated: 2025-09-04. Review status: criteria provided, single submitter. Criteria: LabCorp Variant Classification Summary - May 2015. Collection method: clinical testing. Allele origin: germline.
Comment: Variant summary: VWF c.1848G>A alters a non-conserved nucleotide resulting in a synonymous change. Several computational tools predict a significant impact on normal splicing: three predict the variant creates a 3' acceptor site. However, these predictions have yet to be confirmed by functional studies. The variant allele was found at a frequency of 7.4e-06 in 135548 control chromosomes (gnomAD). The available data on variant occurrences in the general population are insufficient to allow any conclusion about variant significance. To our knowledge, no occurrence of c.1848G>A in individuals affected with VWF-related conditions and no experimental evidence demonstrating its impact on protein function have been reported. No submitters have cited clinical-significance assessments for this variant to ClinVar. Based on the evidence outlined above, the variant was classified as uncertain significance.

NM_000552.5(VWF):c.1848G>A (p.Ser616=)

Gene: VWF (von Willebrand factor; minus strand). Cytogenetic location: 12p13.31.
Variant type: single nucleotide variant.
Coding change: c.1848G>A on transcript NM_000552.5 (MANE Select); coding-DNA position 1848, G replaced by A.
Protein change: p.Ser616=; no amino-acid change (serine 616 retained).
Molecular consequence: synonymous variant.
Genome position (GRCh38, 1-based): chr12:6,056,954, C>T on the plus strand (G>A on the coding strand, the complement: VWF is on the minus strand). VCF-style: chr12-6056954-C-T. GRCh37 (hg19) VCF-style: chr12-6166120-C-T.
Identifiers: ClinVar variation 4535764 (VCV004535764.1).